The following is an entry in ClinVar:

ClinVar aggregate classification (germline): Uncertain significance (1 of 4 stars; one submission).

Conditions:
Severe myoclonic epilepsy in infancy (DRVT). Also called: Epileptic encephalopathy, early infantile, 6 (Dravet syndrome); Dravet syndrome; SEVERE MYOCLONIC EPILEPSY OF INFANCY; DEVELOPMENTAL AND EPILEPTIC ENCEPHALOPATHY 6A; Severe Myoclonic Epilepsy in Infancy (SMEI). Identifiers: Orphanet 33069, MedGen C0751122, MONDO:0100135, OMIM 607208.

Submission:

Labcorp Genetics (formerly Invitae), Labcorp
Classification: Uncertain significance for Severe myoclonic epilepsy in infancy. Last evaluated: 2022-08-20. Review status: criteria provided, single submitter. Criteria: Invitae Variant Classification Sherloc (09022015). Collection method: clinical testing. Allele origin: germline.
Comment: This sequence change replaces glutamine, which is neutral and polar, with lysine, which is basic and polar, at codon 259 of the SNX27 protein (p.Gln259Lys). This variant is not present in population databases (gnomAD no frequency). This variant has not been reported in the literature in individuals affected with SNX27-related conditions. Algorithms developed to predict the effect of missense changes on protein structure and function (SIFT, PolyPhen-2, Align-GVGD) all suggest that this variant is likely to be disruptive. In summary, the available evidence is currently insufficient to determine the role of this variant in disease. Therefore, it has been classified as a Variant of Uncertain Significance.

NM_001330723.2(SNX27):c.775C>A (p.Gln259Lys)

Gene: SNX27 (sorting nexin 27; plus strand). Cytogenetic location: 1q21.3.
Variant type: single nucleotide variant.
Coding change: c.775C>A on transcript NM_001330723.2 (MANE Select); coding-DNA position 775, C replaced by A.
Protein change: p.Gln259Lys; replaces glutamine 259 with lysine.
Molecular consequence: missense variant.
Genome position (GRCh38, 1-based): chr1:151,660,836, C>A. VCF-style: chr1-151660836-C-A. GRCh37 (hg19) VCF-style: chr1-151633312-C-A.
Other names: c.775C>A, p.Gln259Lys (NM_030918.6); short protein forms Q259K.
Identifiers: ClinVar variation 1715756 (VCV001715756.3), dbSNP rs2524998077, ClinGen allele CA341961138.